The following is an entry in ClinVar:

ClinVar aggregate classification (germline): Benign. Review status: criteria provided, multiple submitters, no conflicts (2 of 4 stars). 3 submissions from 3 submitters: Benign (2). 1 of the submissions does not count toward it. Last evaluated 2026-02-02.

Conditions:
CRKL-related disorder. Also called: CRKL-related condition.

Allele frequency attached by ClinVar (database versions not stated): ESP Exome Variant Server 0.00054; gnomAD exomes 0.00137 and 0.00476; gnomAD 0.00173 and 0.00178; 1000 Genomes Project 0.00300; 1000 Genomes Project 30x 0.00312; TOPMed 0.00299; ExAC 0.00370.
gnomAD v4.1: 2,238 of 1,614,172 alleles (0.14%); highest among the groups gnomAD compares: Admixed American, 2.5%; 33 homozygotes.

Submissions (5):

Labcorp Genetics (formerly Invitae), Labcorp
Classification: Benign. Last evaluated: 2026-02-02. Review status: criteria provided, single submitter. Criteria: Invitae Variant Classification Sherloc (09022015). Collection method: clinical testing. Allele origin: germline.

Breakthrough Genomics
Classification: Benign. Review status: criteria provided, single submitter. Criteria: ACMG Guidelines, 2015. Collection method: not provided. Allele origin: germline. Inheritance: Unknown mechanism. Affected: yes.

PreventionGenetics, part of Exact Sciences
Classification: Benign for CRKL-related condition. Last evaluated: 2024-08-22. Review status: no assertion criteria provided. Collection method: clinical testing. Allele origin: germline. Not counted in ClinVar's aggregate classification.
Comment: This variant is classified as benign based on ACMG/AMP sequence variant interpretation guidelines (Richards et al. 2015 PMID: 25741868, with internal and published modifications).

Dr. Peter K. Rogan Lab, Western University
No classification provided (evidence only). Condition: Melanoma. Review status: no classification provided. Collection method: in vitro. Allele origin: not applicable. Functional consequence: skipped exon. Not counted in ClinVar's aggregate classification.

Dr. Peter K. Rogan Lab, Western University
No classification provided (evidence only). Condition: Sarcoma. Review status: no classification provided. Collection method: in vitro. Allele origin: not applicable. Functional consequence: retained intron. Not counted in ClinVar's aggregate classification.

NM_005207.4(CRKL):c.661G>A (p.Gly221Ser)

Gene: CRKL (CRK like proto-oncogene, adaptor protein; plus strand). Cytogenetic location: 22q11.21.
Variant type: single nucleotide variant.
Coding change: c.661G>A on transcript NM_005207.4 (MANE Select); coding-DNA position 661, G replaced by A.
Protein change: p.Gly221Ser; replaces glycine 221 with serine.
Molecular consequence: missense variant. On other transcripts: non-coding transcript variant (1).
Genome position (GRCh38, 1-based): chr22:20,934,128, G>A. VCF-style: chr22-20934128-G-A. GRCh37 (hg19) VCF-style: chr22-21288416-G-A.
Other names: short protein forms G221S.
Identifiers: ClinVar variation 770308 (VCV000770308.13), dbSNP rs145813322, ClinGen allele CA10117384.
Genomic context (GRCh38, chr22:20,934,128, plus strand): 5'-CCAGAACCTGCTCATGCATACGCTCAACCTCAGACCACAACTCCTCTACCTGCAGTTTCC[G>A]GTTCTCCTGGGGCAGCAATCACCCCTTTGCCATCCACACAGAATGGACCTGTCTTTGCGA-3'
Protein context (NP_005198.1, residues 211-231): QTTTPLPAVS[Gly221Ser]SPGAAITPLP